The following is an entry in ClinVar:

NC_000016.10:g.68732951G>C

Genes: CDH1 (cadherin 1; plus strand), CDH3 (cadherin 3; plus strand). Cytogenetic location: 16q22.1.
Variant type: single nucleotide variant.
Genome position: GRCh38 VCF-style: chr16-68732951-G-C. GRCh37 (hg19) VCF-style: chr16-68766854-G-C.
Identifiers: ClinVar variation 5039781 (VCV005039781.1).

ClinVar aggregate classification (germline): Likely benign (1 of 4 stars; one submission).

gnomAD v4.1: 248 of 151,800 alleles (0.16%); highest among the groups gnomAD compares: Middle Eastern, 1%; no homozygotes.

Submission:

CeGaT Center for Human Genetics Tuebingen
Classification: Likely benign. Last evaluated: 2026-07-01. Review status: criteria provided, single submitter. Criteria: CeGaT Center For Human Genetics Tuebingen Variant Classification Criteria Version 2. Collection method: clinical testing. Allele origin: germline. Affected: yes. Observed: 1 variant allele.
Comment: CDH1: BS1